The following is an entry in ClinVar:

ClinVar aggregate classification (germline): Uncertain significance (1 of 4 stars; one submission).

gnomAD v4.1: 3 of 1,610,564 alleles (0.00019%); highest among the groups gnomAD compares: African/African-American, 0.0027%; no homozygotes.

Submission:

GeneDx
Classification: Uncertain significance. Last evaluated: 2026-03-25. Review status: criteria provided, single submitter. Criteria: GeneDx Variant Classification Process June 2021. Collection method: clinical testing. Allele origin: germline.
Comment: Not observed at significant frequency in large population cohorts (gnomAD); In silico analysis suggests that this missense variant does not alter protein structure/function; Has not been previously published as pathogenic or benign to our knowledge

NM_002971.6(SATB1):c.1442C>T (p.Thr481Ile)

Gene: SATB1 (SATB homeobox 1; minus strand). Cytogenetic location: 3p24.3.
Variant type: single nucleotide variant.
Coding change: c.1442C>T on transcript NM_002971.6 (MANE Select); coding-DNA position 1442, C replaced by T.
Protein change: p.Thr481Ile; replaces threonine 481 with isoleucine.
Molecular consequence: missense variant.
Genome position (GRCh38, 1-based): chr3:18,378,303, G>A on the plus strand (C>T on the coding strand, the complement: SATB1 is on the minus strand). VCF-style: chr3-18378303-G-A. GRCh37 (hg19) VCF-style: chr3-18419795-G-A.
Other names: c.1442C>T, p.Thr481Ile (NM_001322875.2, NM_001322874.2, NM_001131010.4 and 4 more transcripts); c.1226C>T, p.Thr409Ile (NM_001322876.2); short protein forms T409I, T481I.
Identifiers: ClinVar variation 5017478 (VCV005017478.1).